The following is an entry in ClinVar:

NM_006767.4(LZTR1):c.502G>T (p.Glu168Ter)

Gene: LZTR1 (leucine zipper like post translational regulator 1; plus strand). Cytogenetic location: 22q11.21.
Variant type: single nucleotide variant.
Coding change: c.502G>T on transcript NM_006767.4 (MANE Select); coding-DNA position 502, G replaced by T.
Protein change: p.Glu168Ter; replaces glutamic acid 168 with a stop codon.
Molecular consequence: nonsense.
Genome position (GRCh38, 1-based): chr22:20,988,111, G>T. VCF-style: chr22-20988111-G-T. GRCh37 (hg19) VCF-style: chr22-21342400-G-T.
Other names: short protein forms E168*.
Identifiers: ClinVar variation 3730368 (VCV003730368.2).

ClinVar aggregate classification (germline): Pathogenic (1 of 4 stars; one submission).

Submission:

Labcorp Genetics (formerly Invitae), Labcorp
Classification: Pathogenic. Last evaluated: 2024-05-15. Review status: criteria provided, single submitter. Criteria: Invitae Variant Classification Sherloc (09022015). Collection method: clinical testing. Allele origin: germline.
Comment: This sequence change creates a premature translational stop signal (p.Glu168*) in the LZTR1 gene. It is expected to result in an absent or disrupted protein product. Loss-of-function variants in LZTR1 are known to be pathogenic (PMID: 24362817, 25335493, 25480913, 25795793, 29469822, 30368668, 30442762, 30442766, 30481304, 30859559). This variant is not present in population databases (gnomAD no frequency). This variant has not been reported in the literature in individuals affected with LZTR1-related conditions. For these reasons, this variant has been classified as Pathogenic.

Literature cited by the submitters: PubMed 24362817; PubMed 25335493; PubMed 25480913; PubMed 25795793; PubMed 29469822; PubMed 30368668; PubMed 30442762; PubMed 30442766; PubMed 30481304; PubMed 30859559.